The following is an entry in ClinVar:

NM_003872.3(NRP2):c.554T>A (p.Met185Lys)

Gene: NRP2 (neuropilin 2; plus strand). Cytogenetic location: 2q33.3.
Variant type: single nucleotide variant.
Coding change: c.554T>A on transcript NM_003872.3 (MANE Select); coding-DNA position 554, T replaced by A.
Protein change: p.Met185Lys; replaces methionine 185 with lysine.
Molecular consequence: missense variant.
Genome position (GRCh38, 1-based): chr2:205,722,598, T>A. VCF-style: chr2-205722598-T-A. GRCh37 (hg19) VCF-style: chr2-206587322-T-A.
Other names: c.554T>A, p.Met185Lys (NM_018534.4, NM_201264.2, NM_201266.2 and 2 more transcripts); short protein forms M185K.
Identifiers: ClinVar variation 2212347 (VCV002212347.3), dbSNP rs765709071, ClinGen allele CA2068845.
Genomic context (GRCh38, chr2:205,722,598, plus strand): 5'-TTCCTGAGAAGTATCCACACAACTTGGACTGCACCTTTACCATCCTGGCCAAACCCAAGA[T>A]GGAGATCATCCTGCAGTTCCTGATCTTTGACCTGGAGCATGACCCTTTGCAGGTGGGAGA-3'
Protein context (NP_003863.2, residues 175-195): CTFTILAKPK[Met185Lys]EIILQFLIFD

ClinVar aggregate classification (germline): Uncertain significance. Review status: criteria provided, single submitter (1 of 4 stars). 2 submissions from 2 submitters: Uncertain significance (1). 1 of the submissions does not count toward it. Last evaluated 2022-08-26.

Conditions:
NRP2-related disorder. Also called: NRP2-related condition.

Allele frequency attached by ClinVar (database versions not stated): TOPMed below 0.00001; gnomAD exomes 0.00002; ExAC 0.00003.

Submissions (2):

Ambry Genetics
Classification: Uncertain significance. Last evaluated: 2022-08-26. Review status: criteria provided, single submitter. Criteria: Ambry Variant Classification Scheme 2023. Collection method: clinical testing. Allele origin: germline.

PreventionGenetics, part of Exact Sciences
Classification: Uncertain significance for NRP2-related condition. Last evaluated: 2024-03-20. Review status: no assertion criteria provided. Collection method: clinical testing. Allele origin: germline. Not counted in ClinVar's aggregate classification.
Comment: The NRP2 c.554T>A variant is predicted to result in the amino acid substitution p.Met185Lys. To our knowledge, this variant has not been reported in the literature. This variant is reported in 0.0099% of alleles in individuals of Ashkenazi Jewish descent in gnomAD. At this time, the clinical significance of this variant is uncertain due to the absence of conclusive functional and genetic evidence.